The following is an entry in ClinVar:

ClinVar aggregate classification (germline): Conflicting classifications of pathogenicity. Review status: criteria provided, conflicting classifications (1 of 4 stars). 3 submissions from 3 submitters: Uncertain significance (1); Likely benign (2). Last evaluated 2025-08-02.

Conditions:
Primary familial polycythemia due to EPO receptor mutation. Also called: ERYTHROCYTOSIS, SOMATIC; POLYCYTHEMIA, PRIMARY FAMILIAL AND CONGENITAL; Primary Familial Congenital Polycythemia; Erythrocytosis, familial, 1. Identifiers: Orphanet 90042, MedGen C4551637, MONDO:0007572, OMIM 133100.

Allele frequency attached by ClinVar (database versions not stated): gnomAD 0.00001; gnomAD exomes 0.00001; TOPMed 0.00002; ExAC 0.00003.
gnomAD v4.1: 16 of 1,612,594 alleles (0.00099%); highest among the groups gnomAD compares: Admixed American, 0.0017%; no homozygotes.

Submissions (3):

Labcorp Genetics (formerly Invitae), Labcorp
Classification: Uncertain significance. Last evaluated: 2025-08-02. Review status: criteria provided, single submitter. Criteria: Invitae Variant Classification Sherloc (09022015). Collection method: clinical testing. Allele origin: germline.
Comment: This sequence change replaces valine, which is neutral and non-polar, with alanine, which is neutral and non-polar, at codon 72 of the EPOR protein (p.Val72Ala). This variant is present in population databases (rs780617943, gnomAD 0.003%). This variant has not been reported in the literature in individuals affected with EPOR-related conditions. ClinVar contains an entry for this variant (Variation ID: 328153). An algorithm developed to predict the effect of missense changes on protein structure and function (PolyPhen-2) suggests that this variant is likely to be tolerated. In summary, the available evidence is currently insufficient to determine the role of this variant in disease. Therefore, it has been classified as a Variant of Uncertain Significance.

ARUP Laboratories, Molecular Genetics and Genomics, ARUP Laboratories
Classification: Likely benign for Primary familial polycythemia due to EPO receptor mutation. Last evaluated: 2023-02-15. Review status: criteria provided, single submitter. Criteria: ARUP Molecular Germline Variant Investigation Process 2024. Collection method: clinical testing. Allele origin: germline.

Illumina Laboratory Services, Illumina
Classification: Likely benign for Primary familial polycythemia due to EPO receptor mutation. Last evaluated: 2018-01-12. Review status: criteria provided, single submitter. Criteria: ICSL Variant Classification Criteria 13 December 2019. Collection method: clinical testing. Allele origin: germline.
Comment: This variant was observed in the ICSL laboratory as part of a predisposition screen in an ostensibly healthy population. It had not been previously curated by ICSL or reported in the Human Gene Mutation Database (HGMD: prior to June 1st, 2018), and was therefore a candidate for classification through an automated scoring system. Utilizing variant allele frequency, disease prevalence and penetrance estimates, and inheritance mode, an automated score was calculated to assess if this variant is too frequent to cause the disease. Based on the score and internal cut-off values, a variant classified as likely benign is not then subjected to further curation. The score for this variant resulted in a classification of likely benign for this disease.

NM_000121.4(EPOR):c.215T>C (p.Val72Ala)

Gene: EPOR (erythropoietin receptor; minus strand). Cytogenetic location: 19p13.2.
Variant type: single nucleotide variant.
Coding change: c.215T>C on transcript NM_000121.4 (MANE Select); coding-DNA position 215, T replaced by C.
Protein change: p.Val72Ala; replaces valine 72 with alanine.
Molecular consequence: missense variant. On other transcripts: non-coding transcript variant (1).
Genome position (GRCh38, 1-based): chr19:11,383,133, A>G on the plus strand (T>C on the coding strand, the complement: EPOR is on the minus strand). VCF-style: chr19-11383133-A-G. GRCh37 (hg19) VCF-style: chr19-11493809-A-G.
Other names: short protein forms V72A.
Identifiers: ClinVar variation 328153 (VCV000328153.7), dbSNP rs780617943, ClinGen allele CA9210880.